The following is an entry in ClinVar:

NM_006096.4(NDRG1):c.646G>T (p.Val216Leu)

Gene: NDRG1 (N-myc downstream regulated 1; minus strand). Cytogenetic location: 8q24.22.
Variant type: single nucleotide variant.
Coding change: c.646G>T on transcript NM_006096.4 (MANE Select); coding-DNA position 646, G replaced by T.
Protein change: p.Val216Leu; replaces valine 216 with leucine.
Molecular consequence: missense variant.
Genome position (GRCh38, 1-based): chr8:133,250,492, C>A on the plus strand (G>T on the coding strand, the complement: NDRG1 is on the minus strand). VCF-style: chr8-133250492-C-A. GRCh37 (hg19) VCF-style: chr8-134262735-C-A.
Other names: c.646G>T, p.Val216Leu (NM_001135242.2, NM_001374845.1, NM_001374846.1); c.448G>T, p.Val150Leu (NM_001258432.2, NM_001374847.1); c.403G>T, p.Val135Leu (NM_001258433.2); c.697G>T, p.Val233Leu (NM_001374844.1); short protein forms V216L, V233L, V150L, V135L.
Identifiers: ClinVar variation 1753710 (VCV001753710.4), dbSNP rs761481771, ClinGen allele CA372255386.

ClinVar aggregate classification (germline): Uncertain significance. Review status: criteria provided, multiple submitters, no conflicts (2 of 4 stars). 2 submissions from 2 submitters: Uncertain significance (2). Last evaluated 2023-11-04.

Conditions:
Inborn genetic diseases. Identifiers: MedGen C0950123, MeSH D030342.
Charcot-Marie-Tooth disease type 4. Also called: Charcot-Marie-Tooth disease, type IV; Charcot-Marie-Tooth, Type 4. Identifiers: Orphanet 64749, MedGen C4082197, MONDO:0018995.

gnomAD v4.1: 1 of 1,614,138 alleles (0.000062%); highest among the groups gnomAD compares: Non-Finnish European, 0.000085%; no homozygotes.

Submissions (2):

Labcorp Genetics (formerly Invitae), Labcorp
Classification: Uncertain significance for Charcot-Marie-Tooth disease type 4. Last evaluated: 2023-11-04. Review status: criteria provided, single submitter. Criteria: Invitae Variant Classification Sherloc (09022015). Collection method: clinical testing. Allele origin: germline.
Comment: This sequence change replaces valine, which is neutral and non-polar, with leucine, which is neutral and non-polar, at codon 216 of the NDRG1 protein (p.Val216Leu). This variant is not present in population databases (gnomAD no frequency). This variant has not been reported in the literature in individuals affected with NDRG1-related conditions. ClinVar contains an entry for this variant (Variation ID: 1753710). Advanced modeling of protein sequence and biophysical properties (such as structural, functional, and spatial information, amino acid conservation, physicochemical variation, residue mobility, and thermodynamic stability) performed at Invitae indicates that this missense variant is not expected to disrupt NDRG1 protein function with a negative predictive value of 80%. In summary, the available evidence is currently insufficient to determine the role of this variant in disease. Therefore, it has been classified as a Variant of Uncertain Significance.

Ambry Genetics
Classification: Uncertain significance for Inborn genetic diseases. Last evaluated: 2020-05-12. Review status: criteria provided, single submitter. Criteria: Ambry Variant Classification Scheme 2023. Collection method: clinical testing. Allele origin: germline.
Comment: The p.V216L variant (also known as c.646G>T), located in coding exon 9 of the NDRG1 gene, results from a G to T substitution at nucleotide position 646. The valine at codon 216 is replaced by leucine, an amino acid with highly similar properties. This amino acid position is not well conserved in available vertebrate species, and leucine is the reference amino acid in other vertebrate species. In addition, this alteration is predicted to be tolerated by in silico analysis. Since supporting evidence is limited at this time, the clinical significance of this alteration remains unclear.